The following is an entry in ClinVar:

ClinVar aggregate classification (germline): Uncertain significance (1 of 4 stars; one submission).

Conditions:
Gastrointestinal stromal tumor. Also called: Gastrointestinal stroma tumor; Gastrointestinal stromal tumor, somatic. Identifiers: Orphanet 44890, MedGen C0238198, MeSH D046152, MONDO:0011719, OMIM 606764, HP:0100723.

Submission:

Labcorp Genetics (formerly Invitae), Labcorp
Classification: Uncertain significance for Gastrointestinal stromal tumor. Last evaluated: 2021-01-10. Review status: criteria provided, single submitter. Criteria: Invitae Variant Classification Sherloc (09022015). Collection method: clinical testing. Allele origin: germline.
Comment: This sequence change replaces serine with arginine at codon 868 of the KIT protein (p.Ser868Arg). The serine residue is highly conserved and there is a moderate physicochemical difference between serine and arginine. In summary, the available evidence is currently insufficient to determine the role of this variant in disease. Therefore, it has been classified as a Variant of Uncertain Significance. Algorithms developed to predict the effect of missense changes on protein structure and function (SIFT, PolyPhen-2, Align-GVGD) all suggest that this variant is likely to be disruptive, but these predictions have not been confirmed by published functional studies and their clinical significance is uncertain. This variant has not been reported in the literature in individuals with KIT-related conditions. This variant is not present in population databases (ExAC no frequency).

NM_000222.3(KIT):c.2604C>A (p.Ser868Arg)

Gene: KIT (KIT proto-oncogene, receptor tyrosine kinase; plus strand). Cytogenetic location: 4q12.
Variant type: single nucleotide variant.
Coding change: c.2604C>A on transcript NM_000222.3 (MANE Select); coding-DNA position 2604, C replaced by A.
Protein change: p.Ser868Arg; replaces serine 868 with arginine.
Molecular consequence: missense variant.
Genome position (GRCh38, 1-based): chr4:54,736,728, C>A. VCF-style: chr4-54736728-C-A. GRCh37 (hg19) VCF-style: chr4-55602894-C-A.
Other names: c.2592C>A, p.Ser864Arg (NM_001093772.2, NM_001385292.1); c.2607C>A, p.Ser869Arg (NM_001385284.1); c.2601C>A, p.Ser867Arg (NM_001385285.1); c.2589C>A, p.Ser863Arg (NM_001385286.1); c.2595C>A, p.Ser865Arg (NM_001385288.1); c.2604C>A, p.Ser868Arg (NM_001385290.1); short protein forms S868R, S869R, S863R, S867R, S865R, S864R.
Identifiers: ClinVar variation 1486826 (VCV001486826.8), dbSNP rs2109812266, ClinGen allele CA356913578.